The following is an entry in ClinVar:

ClinVar aggregate classification (germline): Likely pathogenic (1 of 4 stars; one submission).

Submission:

GeneDx
Classification: Likely pathogenic. Last evaluated: 2025-09-16. Review status: criteria provided, single submitter. Criteria: GeneDx Variant Classification Process June 2021. Collection method: clinical testing. Allele origin: germline. Affected: yes.
Comment: Not observed at significant frequency in large population cohorts (gnomAD); Has not been previously published as pathogenic or benign to our knowledge; In silico analysis supports that this missense variant has a deleterious effect on protein structure/function

NM_001363118.2(SLC52A2):c.154T>C (p.Ser52Pro)

Gene: SLC52A2 (solute carrier family 52 member 2; plus strand). Cytogenetic location: 8q24.3.
Variant type: single nucleotide variant.
Coding change: c.154T>C on transcript NM_001363118.2 (MANE Select); coding-DNA position 154, T replaced by C.
Protein change: p.Ser52Pro; replaces serine 52 with proline.
Molecular consequence: missense variant. On other transcripts: non-coding transcript variant (1), intron variant (1).
Genome position (GRCh38, 1-based): chr8:144,359,646, T>C. VCF-style: chr8-144359646-T-C. GRCh37 (hg19) VCF-style: chr8-145583306-T-C.
Other names: c.154T>C, p.Ser52Pro (NM_001253815.2, NM_001253816.2, NM_001363120.2 and 2 more transcripts); c.-111T>C (NM_001410949.1); c.130+223T>C (NM_001363122.2); short protein forms S52P.
Identifiers: ClinVar variation 1723848 (VCV001723848.3), dbSNP rs566814350, ClinGen allele CA372626203.